The following is an entry in ClinVar:

NM_144687.4(NLRP12):c.908del (p.Phe303fs)

Gene: NLRP12 (NLR family pyrin domain containing 12; minus strand). Cytogenetic location: 19q13.42.
Variant type: Deletion.
Coding change: c.908del on transcript NM_144687.4 (MANE Select); coding-DNA position 908, one base deleted (T; older notation c.908delT).
Protein change: p.Phe303fs; shifts the reading frame from phenylalanine 303.
Molecular consequence: frameshift variant.
Genome position (GRCh38, 1-based): chr19:53,810,751, A deleted on the plus strand (T on the coding strand, the reverse complement: NLRP12 is on the minus strand); the first of 3 consecutive A bases (chr19:53,810,751-53,810,753); deleting any one gives the same sequence. VCF-style (leftmost placement, unchanged base first): chr19-53810750-GA-G. GRCh37 (hg19) VCF-style: chr19-54314004-GA-G.
Other names: c.908del (NM_144687.2); c.908del, p.Phe303fs (NM_001277126.2, NM_001277129.1); short protein forms F303fs.
Identifiers: ClinVar variation 1381937 (VCV001381937.9), dbSNP rs776056868, ClinGen allele CA9639574.

ClinVar aggregate classification (germline): Conflicting classifications of pathogenicity. Review status: criteria provided, conflicting classifications (1 of 4 stars). 3 submissions from 3 submitters: Pathogenic (1); Likely pathogenic (1); Uncertain significance (1). Last evaluated 2024-09-20.

Conditions:
Familial cold autoinflammatory syndrome 2 (FCAS2). Identifiers: Orphanet 247868, MedGen C2673198, MONDO:0012724, OMIM 611762.

Submissions (3):

GeneDx
Classification: Likely pathogenic. Last evaluated: 2024-09-20. Review status: criteria provided, single submitter. Criteria: GeneDx Variant Classification Process June 2021. Collection method: clinical testing. Allele origin: germline. Affected: yes.
Comment: Frameshift variant predicted to result in protein truncation or nonsense mediated decay in a gene for which loss of function is a known mechanism of disease and published functional studies also support a damaging effect (PMID:37396539); This variant is associated with the following publications: (PMID: 37396539)

Labcorp Genetics (formerly Invitae), Labcorp
Classification: Uncertain significance for Familial cold autoinflammatory syndrome 2. Last evaluated: 2022-10-17. Review status: criteria provided, single submitter. Criteria: Invitae Variant Classification Sherloc (09022015). Collection method: clinical testing. Allele origin: germline.
Comment: In summary, the available evidence is currently insufficient to determine the role of this variant in disease. Therefore, it has been classified as a Variant of Uncertain Significance. ClinVar contains an entry for this variant (Variation ID: 1381937). This variant has not been reported in the literature in individuals affected with NLRP12-related conditions. This variant is present in population databases (rs776056868, gnomAD 0.02%). This sequence change creates a premature translational stop signal (p.Phe303Serfs*25) in the NLRP12 gene. It is expected to result in an absent or disrupted protein product. However, the current clinical and genetic evidence is not sufficient to establish whether loss-of-function variants in NLRP12 cause disease.

Juno Genomics, Hangzhou Juno Genomics, Inc
Classification: Pathogenic for Familial cold autoinflammatory syndrome 2. Review status: criteria provided, single submitter. Criteria: ACMG Guidelines, 2015. Collection method: clinical testing. Allele origin: germline.
Comment: Absent from controls (or at extremely low frequency if recessive) in Genome Aggregation Database.;Null variant in a gene where loss of function (LOF) is a known mechanism of disease.;Well-established in vitro or in vivo functional studies supportive of a damaging effect on the gene or gene product.